The following is an entry in ClinVar:

ClinVar aggregate classification (germline): Pathogenic. Review status: criteria provided, multiple submitters, no conflicts (2 of 4 stars). 2 submissions from 2 submitters: Pathogenic (2). Last evaluated 2023-06-27.

Conditions:
Familial cancer of breast. Also called: hereditary breast carcinoma; Hereditary breast cancer; BREAST CANCER, FAMILIAL. Identifiers: Orphanet 227535, MedGen C0346153, MONDO:0016419, OMIM 114480. Disease mechanism: loss of function.

Submissions (2):

Myriad Genetics, Inc.
Classification: Pathogenic for Familial cancer of breast. Last evaluated: 2023-06-27. Review status: criteria provided, single submitter. Criteria: Myriad Autosomal Dominant, Autosomal Recessive and X-Linked Classification Criteria (2023). Collection method: clinical testing. Allele origin: unknown.
Comment: This variant is considered pathogenic. This variant creates a termination codon and is predicted to result in premature protein truncation.

GeneDx
Classification: Pathogenic. Last evaluated: 2015-03-25. Review status: criteria provided, single submitter. Criteria: GeneDx Variant Classification (06012015). Collection method: clinical testing. Allele origin: germline. Affected: yes.
Comment: This pathogenic variant is denoted CHEK2 c.823G>T at the cDNA level and p.Glu275Ter (E275X) at the protein level. The substitution creates a nonsense variant, which changes a Glutamic Acid to a premature stop codon (GAA>TAA), and is predicted to cause loss of normal protein function through either protein truncation or nonsense-mediated mRNA decay. This variant has been reported in at least one individual with a personal history of breast cancer (Le Calvez-Kelm 2011). we consider this variant to be pathogenic.

NM_007194.4(CHEK2):c.823G>T (p.Glu275Ter)

Gene: CHEK2 (checkpoint kinase 2; minus strand). Cytogenetic location: 22q12.1.
Variant type: single nucleotide variant.
Coding change: c.823G>T on transcript NM_007194.4 (MANE Select); coding-DNA position 823, G replaced by T.
Protein change: p.Glu275Ter; replaces glutamic acid 275 with a stop codon.
Molecular consequence: nonsense.
Genome position (GRCh38, 1-based): chr22:28,710,029, C>A on the plus strand (G>T on the coding strand, the complement: CHEK2 is on the minus strand). VCF-style: chr22-28710029-C-A. GRCh37 (hg19) VCF-style: chr22-29106017-C-A.
Other names: c.622G>T, p.Glu208Ter (NM_001349956.3); c.823G>T, p.Glu275Ter (NM_145862.3); c.952G>T, p.Glu318Ter (NM_001005735.3); c.160G>T, p.Glu54Ter (NM_001257387.3); short protein forms E275*, E318*, E54*, E208*.
Identifiers: ClinVar variation 379316 (VCV000379316.4), dbSNP rs749963436, ClinGen allele CA16608149.